The following is an entry in ClinVar:

NM_002397.5(MEF2C):c.810+268C>T

Gene: MEF2C (myocyte enhancer factor 2C; minus strand). Cytogenetic location: 5q14.3.
Variant type: single nucleotide variant.
Coding change: c.810+268C>T on transcript NM_002397.5 (MANE Select); 268 bases into the intron after coding-DNA position 810, C replaced by T.
Molecular consequence: intron variant.
Genome position (GRCh38, 1-based): chr5:88,731,461, G>A on the plus strand (C>T on the coding strand, the complement: MEF2C is on the minus strand). VCF-style: chr5-88731461-G-A. GRCh37 (hg19) VCF-style: chr5-88027278-G-A.
Other names: c.810+268C>T (NM_001364329.2, NM_001364330.2, NM_001364333.2 and 18 more transcripts); c.666+268C>T (NM_001364344.2, NM_001364354.2, NM_001364332.2 and 3 more transcripts); c.432+268C>T (NM_001364353.2, NM_001364356.2); c.804+268C>T (NM_001131005.2, NM_001364352.2, NM_001364343.2); c.864+268C>T (NM_001193347.1, NM_001364338.2); c.384+268C>T (NM_001364357.2).
Identifiers: ClinVar variation 669019 (VCV000669019.1), dbSNP rs72771875, ClinGen allele CA122608868.

ClinVar aggregate classification (germline): Benign (1 of 4 stars; one submission).

Allele frequency attached by ClinVar (database versions not stated): 1000 Genomes Project 30x 0.01093; 1000 Genomes Project 0.01138; TOPMed 0.02133; gnomAD 0.02647 and 0.02706; gnomAD exomes 0.02868.
gnomAD v4.1: 8,983 of 326,688 alleles (2.7%); highest among the groups gnomAD compares: Non-Finnish European, 3.8%; 194 homozygotes.

Submission:

GeneDx
Classification: Benign. Last evaluated: 2018-06-19. Review status: criteria provided, single submitter. Criteria: GeneDx Variant Classification (06012015). Collection method: clinical testing. Allele origin: germline. Affected: yes.
Comment: This variant is considered likely benign or benign based on one or more of the following criteria: it is a conservative change, it occurs at a poorly conserved position in the protein, it is predicted to be benign by multiple in silico algorithms, and/or has population frequency not consistent with disease.